The following is an entry in ClinVar:

NM_000834.5(GRIN2B):c.1268A>G (p.Asp423Gly)

Gene: GRIN2B (glutamate ionotropic receptor NMDA type subunit 2B; minus strand). Cytogenetic location: 12p13.1.
Variant type: single nucleotide variant.
Coding change: c.1268A>G on transcript NM_000834.5 (MANE Select); coding-DNA position 1268, A replaced by G.
Protein change: p.Asp423Gly; replaces aspartic acid 423 with glycine.
Molecular consequence: missense variant.
Genome position (GRCh38, 1-based): chr12:13,616,515, T>C on the plus strand (A>G on the coding strand, the complement: GRIN2B is on the minus strand). VCF-style: chr12-13616515-T-C. GRCh37 (hg19) VCF-style: chr12-13769449-T-C.
Other names: c.1268A>G, p.Asp423Gly (NM_001413992.1); short protein forms D423G.
Identifiers: ClinVar variation 5017942 (VCV005017942.1).
Genomic context (GRCh38, chr12:13,616,515, plus strand): 5'-TCAGTGACTATGCGTTTTTGGCAGGGGACTGTGTTCCTCATGCAGGTTCCACTCAGAGGG[T>C]CCACACTTTCCACAATGACAAATGGTGCCTCCTCCAGGGTCACAATGCTCAGATGGTCAT-3'
Protein context (NP_000825.2, residues 413-433): EAPFVIVESV[Asp423Gly]PLSGTCMRNT

ClinVar aggregate classification (germline): Uncertain significance (1 of 4 stars; one submission).

Submission:

GeneDx
Classification: Uncertain significance. Last evaluated: 2026-03-30. Review status: criteria provided, single submitter. Criteria: GeneDx Variant Classification Process June 2021. Collection method: clinical testing. Allele origin: germline.
Comment: Not observed at significant frequency in large population cohorts (gnomAD); In silico analysis supports that this missense variant has a deleterious effect on protein structure/function; Has not been previously published as pathogenic or benign to our knowledge; This variant is associated with the following publications: (PMID: 27839871)